The following is an entry in ClinVar:

ClinVar aggregate classification (germline): Likely benign. Review status: criteria provided, multiple submitters, no conflicts (2 of 4 stars). 2 submissions from 2 submitters: Likely benign (2). Last evaluated 2026-01-05.

Conditions:
GUCY2C-related disorder. Also called: GUCY2C-related condition.

Allele frequency attached by ClinVar (database versions not stated): gnomAD exomes 0.00008 and 0.00040; gnomAD 0.00031 and 0.00033; ExAC 0.00035; TOPMed 0.00041; 1000 Genomes Project 30x 0.00062; 1000 Genomes Project 0.00080.
gnomAD v4.1: 270 of 1,612,732 alleles (0.017%); highest among the groups gnomAD compares: East Asian, 0.28%; 2 homozygotes.

Submissions (2):

Labcorp Genetics (formerly Invitae), Labcorp
Classification: Likely benign. Last evaluated: 2026-01-05. Review status: criteria provided, single submitter. Criteria: Invitae Variant Classification Sherloc (09022015). Collection method: clinical testing. Allele origin: germline.

PreventionGenetics, part of Exact Sciences
Classification: Likely benign for GUCY2C-related condition. Last evaluated: 2025-12-03. Review status: criteria provided, single submitter. Criteria: ACMG Guidelines, 2015. Collection method: clinical testing. Allele origin: germline.
Comment: This variant is classified as likely benign based on ACMG/AMP sequence variant interpretation guidelines (Richards et al. 2015 PMID: 25741868, with internal and published modifications).

NM_004963.4(GUCY2C):c.3215A>G (p.Tyr1072Cys)

Genes: GUCY2C (guanylate cyclase 2C; minus strand), PLBD1-AS1 (PLBD1 antisense RNA 1; plus strand). Cytogenetic location: 12p12.3.
Variant type: single nucleotide variant.
Coding change: c.3215A>G on transcript NM_004963.4 (MANE Select); coding-DNA position 3215, A replaced by G.
Protein change: p.Tyr1072Cys; replaces tyrosine 1072 with cysteine.
Molecular consequence: missense variant.
Genome position (GRCh38, 1-based): chr12:14,613,124, T>C on the plus strand (A>G on the coding strand, the complement: GUCY2C is on the minus strand). VCF-style: chr12-14613124-T-C. GRCh37 (hg19) VCF-style: chr12-14766058-T-C.
Other names: short protein forms Y1072C.
Identifiers: ClinVar variation 782874 (VCV000782874.12), dbSNP rs35179392, ClinGen allele CA6462853.